The following is an entry in ClinVar:

NM_001370658.1(BTD):c.399G>A (p.Glu133=)

Gene: BTD (biotinidase; plus strand). Cytogenetic location: 3p25.1.
Variant type: single nucleotide variant.
Coding change: c.399G>A on transcript NM_001370658.1 (MANE Select); coding-DNA position 399, G replaced by A.
Protein change: p.Glu133=; no amino-acid change (glutamic acid 133 retained).
Molecular consequence: synonymous variant.
Genome position (GRCh38, 1-based): chr3:15,642,057, G>A. VCF-style: chr3-15642057-G-A. GRCh37 (hg19) VCF-style: chr3-15683564-G-A.
Other names: c.459G>A, p.Glu153= (NM_000060.4); c.399G>A, p.Glu133= (NM_001281723.4, NM_001281724.3, NM_001281725.3 and 36 more transcripts); c.462G>A, p.Glu154= (NM_001407381.1).
Identifiers: ClinVar variation 25009 (VCV000025009.19), dbSNP rs397514360, ClinGen allele CA278210.

ClinVar aggregate classification (germline): Pathogenic/Likely pathogenic. Review status: criteria provided, multiple submitters, no conflicts (2 of 4 stars). 5 submissions from 5 submitters: Pathogenic (1); Likely pathogenic (4). Last evaluated 2025-09-07.

Conditions:
Biotinidase deficiency. Also called: Biotin deficiency; BTD deficiency; Late-onset biotin-responsive multiple carboxylase deficiency. Identifiers: Orphanet 79241, MedGen C0220754, MONDO:0009665, OMIM 253260.

Allele frequency attached by ClinVar (database versions not stated): gnomAD exomes below 0.00001 and 0.00001; TOPMed 0.00002.
gnomAD v4.1: 7 of 1,614,074 alleles (0.00043%); highest among the groups gnomAD compares: Non-Finnish European, 0.00059%; no homozygotes.

Submissions (5):

Labcorp Genetics (formerly Invitae), Labcorp
Classification: Pathogenic for Biotinidase deficiency. Last evaluated: 2025-09-07. Review status: criteria provided, single submitter. Criteria: Invitae Variant Classification Sherloc (09022015). Collection method: clinical testing. Allele origin: germline.
Comment: This sequence change affects codon 153 of the BTD mRNA. It is a 'silent' change, meaning that it does not change the encoded amino acid sequence of the BTD protein. This variant also falls at the last nucleotide of exon 3, which is part of the consensus splice site for this exon. This variant is present in population databases (rs397514360, gnomAD 0.0009%). This variant has been observed in individual(s) with biotinidase deficiency (PMID: 9396567, 10400129; internal data). It has also been observed to segregate with disease in related individuals. ClinVar contains an entry for this variant (Variation ID: 25009). Variants that disrupt the consensus splice site are a relatively common cause of aberrant splicing (PMID: 17576681, 9536098). Algorithms developed to predict the effect of sequence changes on RNA splicing suggest that this variant may disrupt the consensus splice site. For these reasons, this variant has been classified as Pathogenic.

Natera, Inc.
Classification: Likely pathogenic for Biotinidase deficiency. Last evaluated: 2025-04-22. Review status: criteria provided, single submitter. Criteria: Natera Variant Classification Schema (03/2026). Collection method: clinical testing. Allele origin: germline.
Comment: The c.399G>A variant in BTD is a synonymous variant that does not alter the encoded amino acid at position 133 (p.E133=). This variant is rare in the general population with a frequency below the threshold expected for the associated phenotype(s). This variant has been observed in one or more individuals affected with the associated recessive disease, as either homozygous or compound heterozygous with a second variant (PMID: 38299772, 9396567). This variant has been identified in one or more affected individual with a phenotype highly consistent with the associated gene (PMID: 38299772). Computational prediction algorithms indicate this variant is likely to affect gene or protein function. Given the available evidence, this variant is classified as Likely Pathogenic.

GeneDx
Classification: Likely pathogenic. Last evaluated: 2024-05-28. Review status: criteria provided, single submitter. Criteria: GeneDx Variant Classification Process June 2021. Collection method: clinical testing. Allele origin: germline. Affected: yes.
Comment: Not observed at significant frequency in large population cohorts (gnomAD); Alters the last nucleotide of the exon and is predicted to destroy the splice donor site but the effect on protein function is unclear; This variant is associated with the following publications: (PMID: 11865279, 11668630, 20556795, 10400129, 9396567)

Women's Health and Genetics/Laboratory Corporation of America, LabCorp
Classification: Likely pathogenic for Biotinidase deficiency. Last evaluated: 2023-11-21. Review status: criteria provided, single submitter. Criteria: LabCorp Variant Classification Summary - May 2015. Collection method: clinical testing. Allele origin: germline.
Comment: Variant summary: BTD c.399G>A (p.Glu133Glu) alters the conserved, last nucleotide of exon 3 and therefore could affect mRNA splicing, leading to a significantly altered protein sequence. Several computational tools predict a significant impact on normal splicing: Four predict the variant abolishes a 5' splicing donor site. These predictions have yet to be confirmed by functional studies, although one study attempted to confirm a splicing impact but was unable to detect any aberrantly spliced transcripts or transcripts with the variant of interest in patients (e.g., Pomponio_1997). These findings suggest mRNA produced from the variant allele may be rapidly degraded. The variant allele was found at a frequency of 4e-06 in 251142 control chromosomes (gnomAD). The available data on variant occurrences in the general population are insufficient to allow any conclusion about variant significance. c.399G>A has been reported in the literature in several compound heterozygous individuals affected with Biotinidase Deficiency (e.g., Pomponio_1997, Norrgard_1999, Wolf_2002). These data indicate that the variant is likely to be associated with disease. At least one publication reports experimental evidence evaluating an impact on protein function, finding that biotinyl-hydrolase activity was <10% of normal activity in serum from patients harboring a null variant in trans (e.g., Pomponio_1997, Norrgard_1999). The following publications have been ascertained in the context of this evaluation (PMID: 10400129, 9396567, 11865279). Three submitters have reported clinical-significance assessments for this variant to ClinVar after 2014. All submitters classified the variant as pathogenic/likely pathogenic. Based on the evidence outlined above, the variant was classified as likely pathogenic.

Center for Pediatric Genomic Medicine, Children's Mercy Hospital and Clinics
Classification: Likely pathogenic. Last evaluated: 2016-09-23. Review status: criteria provided, single submitter. Criteria: ACMG Guidelines, 2015. Collection method: clinical testing. Allele origin: germline.

Literature cited by the submitters: PubMed 9396567 (cited by 3 submitters); PubMed 10400129 (cited by Labcorp Genetics (formerly Invitae), Labcorp and Women's Health and Genetics/Laboratory Corporation of America, LabCorp); PubMed 17576681 (cited by Labcorp Genetics (formerly Invitae), Labcorp); PubMed 9536098 (cited by Labcorp Genetics (formerly Invitae), Labcorp); PubMed 38299772 (cited by Natera, Inc.); PubMed 11865279 (cited by Women's Health and Genetics/Laboratory Corporation of America, LabCorp).